The following is an entry in ClinVar:

NM_000492.4(CFTR):c.4137-1G>C

Gene: CFTR (CF transmembrane conductance regulator; plus strand). Cytogenetic location: 7q31.2.
Variant type: single nucleotide variant.
Coding change: c.4137-1G>C on transcript NM_000492.4 (MANE Select); the canonical splice acceptor site of the intron before coding-DNA position 4137, G replaced by C.
Molecular consequence: splice acceptor variant.
Genome position (GRCh38, 1-based): chr7:117,665,458, G>C. VCF-style: chr7-117665458-G-C. GRCh37 (hg19) VCF-style: chr7-117305512-G-C.
Identifiers: ClinVar variation 4818553 (VCV004818553.1).

ClinVar aggregate classification (germline): Likely pathogenic (1 of 4 stars; one submission).

Conditions:
CFTR-related disorder (CFTR-RD). Also called: CFTR-related disorders; CFTR-related condition. Identifiers: MedGen C5924204, MONDO:7770004.

Submission:

Natera, Inc.
Classification: Likely pathogenic for CFTR-related disorders. Last evaluated: 2026-01-16. Review status: criteria provided, single submitter. Criteria: Natera Variant Classification Schema (03/2026). Collection method: clinical testing. Allele origin: germline.
Comment: The c.4137-1G>C variant in CFTR is a canonical splice acceptor site variant predicted to affect pre-mRNA splicing, which may result in an abnormal transcript and altered protein product. This variant is expected to result in nonsense mediated decay, truncation, or a dysfunctional protein product. This variant is rare in the general population with a frequency below the threshold expected for the associated phenotype(s). Given the available evidence, this variant is classified as Likely Pathogenic.